The following is an entry in ClinVar:

NM_000218.3(KCNQ1):c.1394-16103del

Genes: KCNQ1 (potassium voltage-gated channel subfamily Q member 1; plus strand), KCNQ1OT1 (KCNQ1 opposite strand/antisense transcript 1; minus strand). Cytogenetic location: 11p15.5.
Variant type: Deletion.
Coding change: c.1394-16103del on transcript NM_000218.3 (MANE Select); 16103 bases into the intron before coding-DNA position 1394, one base deleted (T; older notation c.1394-16103delT).
Molecular consequence: intron variant.
Genome position (GRCh38, 1-based): chr11:2,645,858, T deleted; the last of 2 consecutive T bases (chr11:2,645,857-2,645,858); deleting either gives the same sequence. VCF-style (leftmost placement, unchanged base first): chr11-2645856-AT-A. GRCh37 (hg19) VCF-style: chr11-2667086-AT-A.
Other names: c.1124-16103del (NM_001406837.1); c.1298-16103del (NM_001406836.1); c.854-16103del (NM_001406838.1); c.1013-16103del (NM_181798.2).
Identifiers: ClinVar variation 2578633 (VCV002578633.26), dbSNP rs778353137, ClinGen allele CA216158264.
Genomic context (GRCh38, chr11:2,645,856, plus strand): 5'-GGGTTGGGCTATCAAAATGGGACTTTCCTGAAGTTGCCTGAGGATTCAGGGGATGTGTGA[AT>A]TGCCTGAGGATTCAGGGTGATCTCCCTCTCTGGGAGCTGTTCATTGCCATTTCACAGTCT-3'

ClinVar aggregate classification (germline): Likely benign. Review status: criteria provided, multiple submitters, no conflicts (2 of 4 stars). 2 submissions from 2 submitters: Likely benign (2). Last evaluated 2026-06-01.

Submissions (2):

CeGaT Center for Human Genetics Tuebingen
Classification: Likely benign. Last evaluated: 2026-06-01. Review status: criteria provided, single submitter. Criteria: CeGaT Center For Human Genetics Tuebingen Variant Classification Criteria Version 2. Collection method: clinical testing. Allele origin: germline. Affected: yes. Observed: 4 variant alleles.
Comment: KCNQ1OT1: BS1

Blueprint Genetics
Classification: Likely benign. Last evaluated: 2024-09-25. Review status: criteria provided, single submitter. Criteria: ACMG Guidelines, 2015. Collection method: clinical testing. Allele origin: germline.